The following is an entry in ClinVar:

ClinVar aggregate classification (germline): Uncertain significance. Review status: criteria provided, multiple submitters, no conflicts (2 of 4 stars). 5 submissions from 5 submitters: Uncertain significance (5). Last evaluated 2025-11-26.

Conditions:
Cardiovascular phenotype. Identifiers: MedGen CN230736.
Hypertrophic cardiomyopathy 10. Also called: MYL2-Related Familial Hypertrophic Cardiomyopathy; CARDIOMYOPATHY, HYPERTROPHIC, MID-LEFT VENTRICULAR CHAMBER TYPE, 2. Identifiers: MedGen C1834460, MONDO:0012112, OMIM 608758.
Cardiomyopathy (CMYO). Also called: Cardiomyopathies. Identifiers: Orphanet 167848, MedGen C0878544, MONDO:0004994, HP:0001638. Inheritance: Various modes of inheritance.
Hypertrophic cardiomyopathy. Also called: HYPERTROPHIC MYOCARDIOPATHY. Identifiers: Orphanet 217569, MedGen C0007194, MeSH D002312, MONDO:0005045, HP:0001639.

gnomAD v4.1: 3 of 1,577,150 alleles (0.00019%); highest among the groups gnomAD compares: African/African-American, 0.0014%; no homozygotes.

Submissions (5):

Labcorp Genetics (formerly Invitae), Labcorp
Classification: Uncertain significance for Hypertrophic cardiomyopathy 10. Last evaluated: 2025-11-26. Review status: criteria provided, single submitter. Criteria: Invitae Variant Classification Sherloc (09022015). Collection method: clinical testing. Allele origin: germline.
Comment: This sequence change replaces phenylalanine, which is neutral and non-polar, with leucine, which is neutral and non-polar, at codon 142 of the MYL2 protein (p.Phe142Leu). This variant is present in population databases (no rsID available, gnomAD 0.003%). This variant has not been reported in the literature in individuals affected with MYL2-related conditions. ClinVar contains an entry for this variant (Variation ID: 1172451). An algorithm developed to predict the effect of missense changes on protein structure and function (PolyPhen-2) suggests that this variant is likely to be disruptive. In summary, the available evidence is currently insufficient to determine the role of this variant in disease. Therefore, it has been classified as a Variant of Uncertain Significance.

Ambry Genetics
Classification: Uncertain significance for Cardiovascular phenotype. Last evaluated: 2025-04-30. Review status: criteria provided, single submitter. Criteria: Ambry Variant Classification Scheme 2023. Collection method: clinical testing. Allele origin: germline.

All of Us Research Program, National Institutes of Health
Classification: Uncertain significance for Hypertrophic cardiomyopathy. Last evaluated: 2024-09-11. Review status: criteria provided, single submitter. Criteria: ACMG Guidelines, 2015. Collection method: clinical testing. Allele origin: germline. Inheritance: Autosomal dominant inheritance. Observed: 2 variant alleles, 2 heterozygotes.
Comment: This missense variant replaces phenylalanine with leucine at codon 142 of the MYL2 protein. Computational prediction is inconclusive regarding the impact of this variant on protein structure and function (internally defined REVEL score threshold 0.5 < inconclusive < 0.7, PMID: 27666373). To our knowledge, functional studies have not been reported for this variant. This variant has not been reported in individuals affected with cardiovascular disorders in the literature. This variant has been identified in 1/248868 chromosomes in the general population by the Genome Aggregation Database (gnomAD). The available evidence is insufficient to determine the role of this variant in disease conclusively. Therefore, this variant is classified as a Variant of Uncertain Significance.

This study involves interpretation of variants in research participants for the purpose of population health screening. Participant phenotype was not available at the time of variant classification. Additional details can be found in publication PMID: 35346344, PMCID: PMC8962531

Color Diagnostics, LLC DBA Color Health
Classification: Uncertain significance for Cardiomyopathy. Last evaluated: 2024-03-06. Review status: criteria provided, single submitter. Criteria: ACMG Guidelines, 2015. Collection method: clinical testing. Allele origin: germline.
Comment: This missense variant replaces phenylalanine with leucine at codon 142 of the MYL2 protein. Computational prediction is inconclusive regarding the impact of this variant on protein structure and function (internally defined REVEL score threshold 0.5 < inconclusive < 0.7, PMID: 27666373). To our knowledge, functional studies have not been reported for this variant. This variant has not been reported in individuals affected with cardiovascular disorders in the literature. This variant has been identified in 1/248868 chromosomes in the general population by the Genome Aggregation Database (gnomAD). The available evidence is insufficient to determine the role of this variant in disease conclusively. Therefore, this variant is classified as a Variant of Uncertain Significance.

GeneDx
Classification: Uncertain significance. Last evaluated: 2019-12-04. Review status: criteria provided, single submitter. Criteria: GeneDx Variant Classification Process June 2021. Collection method: clinical testing. Allele origin: germline. Affected: yes.
Comment: Has not been previously published as pathogenic or benign to our knowledge; Not observed at a significant frequency in large population cohorts (Lek et al., 2016); In silico analysis, which includes protein predictors and evolutionary conservation, supports that this variant does not alter protein structure/function

NM_000432.4(MYL2):c.424T>C (p.Phe142Leu)

Gene: MYL2 (myosin light chain 2; minus strand). Cytogenetic location: 12q24.11.
Variant type: single nucleotide variant.
Coding change: c.424T>C on transcript NM_000432.4 (MANE Select); coding-DNA position 424, T replaced by C.
Protein change: p.Phe142Leu; replaces phenylalanine 142 with leucine.
Molecular consequence: missense variant.
Genome position (GRCh38, 1-based): chr12:110,911,154, A>G on the plus strand (T>C on the coding strand, the complement: MYL2 is on the minus strand). VCF-style: chr12-110911154-A-G. GRCh37 (hg19) VCF-style: chr12-111348958-A-G.
Other names: short protein forms F142L.
Identifiers: ClinVar variation 1172451 (VCV001172451.15), dbSNP rs747192296, ClinGen allele CA386696968.
Genomic context (GRCh38, chr12:110,911,154, plus strand): 5'-CGTGGGTGATGATGTGCACCAGGTTCTTGTAGTCCAAGTTGCCAGTCACGTCAGGGGGGA[A>G]GGCGGCGAACATCTGGTCAACCTGCAATGAGCCAGCAACACGTGCTAAGGACGAGGGGAG-3'
Protein context (NP_000423.2, residues 132-152): KEEVDQMFAA[Phe142Leu]PPDVTGNLDY